The following is an entry in ClinVar:

ClinVar aggregate classification (germline): Uncertain significance (1 of 4 stars; one submission).

Conditions:
Multiple endocrine neoplasia, type 2 (MEN2). Identifiers: Orphanet 653, MedGen C4048306, MONDO:0019003. Disease mechanism: gain of function.

Submission:

Labcorp Genetics (formerly Invitae), Labcorp
Classification: Uncertain significance for Multiple endocrine neoplasia, type 2. Last evaluated: 2018-06-09. Review status: criteria provided, single submitter. Criteria: Invitae Variant Classification Sherloc (09022015). Collection method: clinical testing. Allele origin: germline.
Comment: This sequence change replaces tyrosine with histidine at codon 826 of the RET protein (p.Tyr826His). The tyrosine residue is moderately conserved and there is a moderate physicochemical difference between tyrosine and histidine. This variant is not present in population databases (ExAC no frequency). This variant has not been reported in the literature in individuals with RET-related disease. Algorithms developed to predict the effect of missense changes on protein structure and function are either unavailable or do not agree on the potential impact of this missense change (SIFT: "Tolerated"; PolyPhen-2: "Probably Damaging"; Align-GVGD: "Class C0"). In summary, the available evidence is currently insufficient to determine the role of this variant in disease. Therefore, it has been classified as a Variant of Uncertain Significance.

NM_020975.6(RET):c.2476T>C (p.Tyr826His)

Gene: RET (ret proto-oncogene; plus strand). Cytogenetic location: 10q11.21.
Variant type: single nucleotide variant.
Coding change: c.2476T>C on transcript NM_020975.6 (MANE Select); coding-DNA position 2476, T replaced by C.
Protein change: p.Tyr826His; replaces tyrosine 826 with histidine.
Molecular consequence: missense variant.
Genome position (GRCh38, 1-based): chr10:43,119,614, T>C. VCF-style: chr10-43119614-T-C. GRCh37 (hg19) VCF-style: chr10-43615062-T-C.
Other names: c.2476T>C, p.Tyr826His (NM_000323.2, NM_001406743.1, NM_001406744.1 and 4 more transcripts); c.1714T>C, p.Tyr572His (NM_001355216.2); c.2347T>C, p.Tyr783His (NM_001406761.1, NM_001406762.1, NM_001406764.1); c.2341T>C, p.Tyr781His (NM_001406763.1, NM_001406765.1); c.2188T>C, p.Tyr730His (NM_001406766.1, NM_001406767.1, NM_001406770.1); c.2212T>C, p.Tyr738His (NM_001406768.1); c.2080T>C, p.Tyr694His (NM_001406769.1, NM_001406772.1); c.2038T>C, p.Tyr680His (NM_001406771.1, NM_001406773.1); and 10 more; short protein forms Y826H, Y572H, Y680H, Y694H, Y781H, Y527H, Y651H, Y391H.
Identifiers: ClinVar variation 570322 (VCV000570322.9), dbSNP rs1445590151, ClinGen allele CA376556315.